The following is an entry in ClinVar:

ClinVar aggregate classification (germline): Uncertain significance (1 of 4 stars; one submission).

Conditions:
Inborn genetic diseases. Identifiers: MedGen C0950123, MeSH D030342.

gnomAD v4.1: 3 of 1,614,090 alleles (0.00019%); highest among the groups gnomAD compares: Non-Finnish European, 0.00025%; no homozygotes.

Submission:

Ambry Genetics
Classification: Uncertain significance for Inborn genetic diseases. Last evaluated: 2025-03-18. Review status: criteria provided, single submitter. Criteria: Ambry Variant Classification Scheme 2023. Collection method: clinical testing. Allele origin: germline.
Comment: The p.A192V variant (also known as c.575C>T), located in coding exon 5 of the BMPR2 gene, results from a C to T substitution at nucleotide position 575. The alanine at codon 192 is replaced by valine, an amino acid with similar properties. This amino acid position is conserved. In addition, this alteration is predicted to be deleterious by in silico analysis. Based on the available evidence, the clinical significance of this variant remains unclear.

NM_001204.7(BMPR2):c.575C>T (p.Ala192Val)

Gene: BMPR2 (bone morphogenetic protein receptor type 2; plus strand). Cytogenetic location: 2q33.2.
Variant type: single nucleotide variant.
Coding change: c.575C>T on transcript NM_001204.7 (MANE Select); coding-DNA position 575, C replaced by T.
Protein change: p.Ala192Val; replaces alanine 192 with valine.
Molecular consequence: missense variant.
Genome position (GRCh38, 1-based): chr2:202,514,933, C>T. VCF-style: chr2-202514933-C-T. GRCh37 (hg19) VCF-style: chr2-203379656-C-T.
Other names: short protein forms A192V.
Identifiers: ClinVar variation 3992053 (VCV003992053.1).
Genomic context (GRCh38, chr2:202,514,933, plus strand): 5'-TTCCTGTTCTTATAGGAGACCGTAAACAAGGTCTTCACAGTATGAACATGATGGAGGCAG[C>T]AGCATCCGAACCCTCTCTTGATCTAGATAATCTGAAACTGTTGGAGGTAAGTTTGCCGTT-3'
Protein context (NP_001195.2, residues 182-202): GLHSMNMMEA[Ala192Val]ASEPSLDLDN